The following is an entry in ClinVar:

NM_003079.5(SMARCE1):c.761AGA[2] (p.Lys256del)

Gene: SMARCE1 (SWI/SNF related BAF chromatin remodeling complex subunit E1; minus strand). Cytogenetic location: 17q21.2.
Variant type: Microsatellite.
Coding change: c.761AGA[2] on transcript NM_003079.5 (MANE Select); two copies in a row of the 3-base unit AGA starting at c.761; the reference has three copies in a row; one copy, 3 bases deleted; also written c.767_769del.
Protein change: p.Lys256del; deletes lysine 256.
Molecular consequence: inframe deletion.
Genome position (GRCh38, 1-based): chr17:40,631,639-40,631,641, TCT deleted on the plus strand (AGA on the coding strand, the reverse complement: SMARCE1 is on the minus strand); deleting any 3 consecutive bases within chr17:40,631,639-40,631,647 gives the same sequence; the position shown is the placement nearest the transcript's 3' end. VCF-style (leftmost placement, unchanged base first): chr17-40631638-CTCT-C. GRCh37 (hg19) VCF-style: chr17-38787890-CTCT-C.
Other names: c.767_769delAGA (NM_003079.4); c.767_769del (NM_003079.4); short protein forms K256del.
Identifiers: ClinVar variation 827186 (VCV000827186.14), dbSNP rs769002311, ClinGen allele CA8545172.

ClinVar aggregate classification (germline): Uncertain significance. Review status: criteria provided, multiple submitters, no conflicts (2 of 4 stars). 3 submissions from 3 submitters: Uncertain significance (3). Last evaluated 2025-10-07.

Conditions:
Familial meningioma. Also called: Meningioma, familial, susceptibility to. Identifiers: Orphanet 263662, MedGen C3551915, MONDO:0011789, OMIM 607174.
Hereditary cancer-predisposing syndrome. Also called: Neoplastic Syndromes, Hereditary; Tumor predisposition; Hereditary neoplastic syndrome; Hereditary Cancer Syndrome. Identifiers: Orphanet 140162, MedGen C0027672, MeSH D009386, MONDO:0015356.

Submissions (3):

Labcorp Genetics (formerly Invitae), Labcorp
Classification: Uncertain significance for Familial meningioma. Last evaluated: 2025-10-07. Review status: criteria provided, single submitter. Criteria: Invitae Variant Classification Sherloc (09022015). Collection method: clinical testing. Allele origin: germline.
Comment: This variant, c.767_769del, results in the deletion of 1 amino acid(s) of the SMARCE1 protein (p.Lys256del), but otherwise preserves the integrity of the reading frame. This variant is present in population databases (rs769002311, gnomAD 0.0009%). This variant has not been reported in the literature in individuals affected with SMARCE1-related conditions. ClinVar contains an entry for this variant (Variation ID: 827186). Experimental studies and prediction algorithms are not available or were not evaluated, and the functional significance of this variant is currently unknown. In summary, the available evidence is currently insufficient to determine the role of this variant in disease. Therefore, it has been classified as a Variant of Uncertain Significance.

GeneDx
Classification: Uncertain significance. Last evaluated: 2024-09-11. Review status: criteria provided, single submitter. Criteria: GeneDx Variant Classification Process June 2021. Collection method: clinical testing. Allele origin: germline. Affected: yes.
Comment: In-frame deletion of 1 amino acid in a non-repeat region; In silico analysis supports a deleterious effect on protein structure/function; Has not been previously published as pathogenic or benign to our knowledge; This variant is associated with the following publications: (PMID: 9435219)

Ambry Genetics
Classification: Uncertain significance for Hereditary cancer-predisposing syndrome. Last evaluated: 2024-04-16. Review status: criteria provided, single submitter. Criteria: Ambry Variant Classification Scheme 2023. Collection method: clinical testing. Allele origin: germline.
Comment: The c.767_769delAGA variant (also known as p.K256del) is located in coding exon 8 of the SMARCE1 gene. This variant results from an in-frame AGA deletion at nucleotide positions 767 to 769. This results in the in-frame deletion of a lysine at codon 256. This amino acid position is highly conserved in available vertebrate species. In addition, this alteration is predicted to be deleterious by in silico analysis (Choi Y et al. PLoS ONE. 2012; 7(10):e46688). Based on the available evidence, the clinical significance of this variant remains unclear.